The following is an entry in ClinVar:

ClinVar aggregate classification (germline): Uncertain significance (1 of 4 stars; one submission).

Allele frequency attached by ClinVar (database versions not stated): gnomAD exomes 0.00001.
gnomAD v4.1: 8 of 1,613,654 alleles (0.0005%); highest among the groups gnomAD compares: Non-Finnish European, 0.00068%; no homozygotes.

Submission:

Labcorp Genetics (formerly Invitae), Labcorp
Classification: Uncertain significance. Last evaluated: 2022-02-09. Review status: criteria provided, single submitter. Criteria: Invitae Variant Classification Sherloc (09022015). Collection method: clinical testing. Allele origin: germline.
Comment: This variant is not present in population databases (gnomAD no frequency). In summary, the available evidence is currently insufficient to determine the role of this variant in disease. Therefore, it has been classified as a Variant of Uncertain Significance. Algorithms developed to predict the effect of missense changes on protein structure and function are either unavailable or do not agree on the potential impact of this missense change (SIFT: "Tolerated"; PolyPhen-2: "Probably Damaging"; Align-GVGD: "Class C0"). This variant has not been reported in the literature in individuals affected with BPTF-related conditions. This sequence change replaces glutamic acid, which is acidic and polar, with glutamine, which is neutral and polar, at codon 2718 of the BPTF protein (p.Glu2718Gln).

NM_182641.4(BPTF):c.8203G>C (p.Glu2735Gln)

Gene: BPTF (bromodomain PHD finger transcription factor; plus strand). Cytogenetic location: 17q24.2.
Variant type: single nucleotide variant.
Coding change: c.8203G>C on transcript NM_182641.4 (MANE Select); coding-DNA position 8203, G replaced by C.
Protein change: p.Glu2735Gln; replaces glutamic acid 2735 with glutamine.
Molecular consequence: missense variant.
Genome position (GRCh38, 1-based): chr17:67,959,817, G>C. VCF-style: chr17-67959817-G-C. GRCh37 (hg19) VCF-style: chr17-65955933-G-C.
Other names: c.8152G>C, p.Glu2718Gln (NM_004459.7); short protein forms E2718Q, E2735Q.
Identifiers: ClinVar variation 2095352 (VCV002095352.4), dbSNP rs2513119114, ClinGen allele CA400730708.